The following is an entry in ClinVar:

ClinVar aggregate classification (germline): Conflicting classifications of pathogenicity. Review status: criteria provided, conflicting classifications (1 of 4 stars). 7 submissions from 7 submitters: Uncertain significance (6); Likely benign (1). Last evaluated 2025-08-14.

Conditions:
Pityriasis rubra pilaris (PRP). Also called: Pityriasis rubra pilaris--familial type. Identifiers: Orphanet 2897, MedGen C0032027, MONDO:0100017, OMIM 173200, MONDO:0008251.
Autoinflammatory syndrome. Identifiers: Orphanet 93665, MedGen C3890737, MONDO:0019751.
Psoriasis 2. Identifiers: MedGen C1864497, MONDO:0011269, OMIM 602723.

Allele frequency attached by ClinVar (database versions not stated): ExAC 0.00023; ESP Exome Variant Server 0.00023; TOPMed 0.00029; gnomAD 0.00031 and 0.00033; 1000 Genomes Project 0.00040; 1000 Genomes Project 30x 0.00062.
gnomAD v4.1: 631 of 1,613,186 alleles (0.039%); highest among the groups gnomAD compares: Non-Finnish European, 0.05%; no homozygotes.

Submissions (7):

Labcorp Genetics (formerly Invitae), Labcorp
Classification: Uncertain significance for Pityriasis rubra pilaris; Psoriasis 2. Last evaluated: 2025-08-14. Review status: criteria provided, single submitter. Criteria: Invitae Variant Classification Sherloc (09022015). Collection method: clinical testing. Allele origin: germline.
Comment: This sequence change replaces serine, which is neutral and polar, with leucine, which is neutral and non-polar, at codon 602 of the CARD14 protein (p.Ser602Leu). This variant is present in population databases (rs201285077, gnomAD 0.04%), and has an allele count higher than expected for a pathogenic variant. This missense change has been observed in individual(s) with plaque-type psoriasis (PMID: 26358359). It has also been observed to segregate with disease in related individuals. ClinVar contains an entry for this variant (Variation ID: 527869). Invitae Evidence Modeling of protein sequence and biophysical properties (such as structural, functional, and spatial information, amino acid conservation, physicochemical variation, residue mobility, and thermodynamic stability) has been performed for this missense variant. However, the output from this modeling did not meet the statistical confidence thresholds required to predict the impact of this variant on CARD14 protein function. Experimental studies are conflicting or provide insufficient evidence to determine the effect of this variant on CARD14 function (PMID: 26358359). In summary, the available evidence is currently insufficient to determine the role of this variant in disease. Therefore, it has been classified as a Variant of Uncertain Significance.

Blueprint Genetics
Classification: Likely benign. Last evaluated: 2024-09-13. Review status: criteria provided, single submitter. Criteria: ACMG Guidelines, 2015. Collection method: clinical testing. Allele origin: germline.

Department of Pathology and Laboratory Medicine, Sinai Health System
Classification: Uncertain significance for Pityriasis rubra pilaris. Last evaluated: 2023-06-28. Review status: criteria provided, single submitter. Criteria: ACMG Guidelines, 2015. Collection method: research. Allele origin: germline.

Fulgent Genetics
Classification: Uncertain significance for Pityriasis rubra pilaris; Psoriasis 2. Last evaluated: 2022-04-12. Review status: criteria provided, single submitter. Criteria: ACMG Guidelines, 2015. Collection method: clinical testing. Allele origin: unknown.

Mayo Clinic Laboratories, Mayo Clinic
Classification: Uncertain significance. Last evaluated: 2021-09-09. Review status: criteria provided, single submitter. Criteria: ACMG Guidelines, 2015. Collection method: clinical testing. Allele origin: germline.

Genome Diagnostics Laboratory, The Hospital for Sick Children
Classification: Uncertain significance for Autoinflammatory syndrome. Last evaluated: 2021-02-23. Review status: criteria provided, single submitter. Criteria: ACMG Guidelines, 2015. Collection method: clinical testing. Allele origin: germline. Affected: yes.

ARUP Laboratories, Molecular Genetics and Genomics, ARUP Laboratories
Classification: Uncertain significance. Last evaluated: 2019-09-27. Review status: criteria provided, single submitter. Criteria: ARUP Molecular Germline Variant Investigation Process. Collection method: clinical testing. Allele origin: germline.

Literature cited by the submitters: PubMed 26358359 (cited by Labcorp Genetics (formerly Invitae), Labcorp).

NM_001366385.1(CARD14):c.1805C>T (p.Ser602Leu)

Gene: CARD14 (caspase recruitment domain family member 14; plus strand). Cytogenetic location: 17q25.3.
Variant type: single nucleotide variant.
Coding change: c.1805C>T on transcript NM_001366385.1 (MANE Select); coding-DNA position 1805, C replaced by T.
Protein change: p.Ser602Leu; replaces serine 602 with leucine.
Molecular consequence: missense variant. On other transcripts: non-coding transcript variant (1).
Genome position (GRCh38, 1-based): chr17:80,198,545, C>T. VCF-style: chr17-80198545-C-T. GRCh37 (hg19) VCF-style: chr17-78172344-C-T.
Other names: p.Ser602Leu; c.1805C>T, p.Ser602Leu (NM_024110.4, NM_001257970.1); c.1094C>T, p.Ser365Leu (NM_052819.3); short protein forms S602L, S365L.
Identifiers: ClinVar variation 527869 (VCV000527869.29), dbSNP rs201285077, ClinGen allele CA8816996.
Genomic context (GRCh38, chr17:80,198,545, plus strand): 5'-AGATCAGCGTCATCGGCGGGAACCTCACGGGCATCTTCATCCACCGGGTCACCCCGGGCT[C>T]GGCGGCGGACCAGATGGCCTTGCGCCCGGGCACCCAGATTGTGATGGTGAGCCGTGCGAG-3'
Protein context (NP_001353314.1, residues 592-612): GIFIHRVTPG[Ser602Leu]AADQMALRPG